The following is an entry in ClinVar:

ClinVar aggregate classification (germline): Likely benign (1 of 4 stars; one submission).

gnomAD v4.1: 10 of 1,613,536 alleles (0.00062%); highest among the groups gnomAD compares: African/African-American, 0.0067%; no homozygotes.

Submission:

CeGaT Center for Human Genetics Tuebingen
Classification: Likely benign. Last evaluated: 2026-05-01. Review status: criteria provided, single submitter. Criteria: CeGaT Center For Human Genetics Tuebingen Variant Classification Criteria Version 2. Collection method: clinical testing. Allele origin: germline. Affected: yes. Observed: 1 variant allele.
Comment: SGSM3: BP4, BP7

NM_015705.6(SGSM3):c.1287G>A (p.Thr429=)

Gene: SGSM3 (small G protein signaling modulator 3; plus strand). Cytogenetic location: 22q13.1.
Variant type: single nucleotide variant.
Coding change: c.1287G>A on transcript NM_015705.6 (MANE Select); coding-DNA position 1287, G replaced by A.
Protein change: p.Thr429=; no amino-acid change (threonine 429 retained).
Molecular consequence: synonymous variant. On other transcripts: non-coding transcript variant (4).
Genome position (GRCh38, 1-based): chr22:40,407,247, G>A. VCF-style: chr22-40407247-G-A. GRCh37 (hg19) VCF-style: chr22-40803251-G-A.
Other names: c.1098G>A, p.Thr366= (NM_001301849.2, NM_001350042.2, NM_001350044.2 and 1 more transcripts); c.1287G>A, p.Thr429= (NM_001350039.2, NM_001350040.2, NM_001350041.2); c.1086G>A, p.Thr362= (NM_001350043.2, NM_001350046.2, NM_001350047.2); c.789G>A, p.Thr263= (NM_001350048.2).
Identifiers: ClinVar variation 4874191 (VCV004874191.2).